The following is an entry in ClinVar:

ClinVar aggregate classification (germline): Benign. Review status: criteria provided, single submitter (1 of 4 stars). 2 submissions from 1 submitter: Benign (2). Last evaluated 2018-01-12.

Conditions:
Surfactant metabolism dysfunction, pulmonary, 2 (SMDP2). Also called: INTERSTITIAL LUNG DISEASE DUE TO SURFACTANT PROTEIN C DEFICIENCY; PULMONARY ALVEOLAR PROTEINOSIS, CONGENITAL, 2; DESQUAMATIVE INTERSTITIAL PNEUMONITIS DUE TO SURFACTANT PROTEIN C DEFICIENCY. Identifiers: Orphanet 440392, MedGen C1970470, MONDO:0024465, OMIM 610913.
Interstitial lung disease 2 (ILD2). Also called: Familial idiopathic pulmonary fibrosis; FIBROSING ALVEOLITIS, CRYPTOGENIC; FIBROCYSTIC PULMONARY DYSPLASIA. Identifiers: Orphanet 2032, Orphanet 79126, MedGen C5561926, MONDO:0800497, OMIM 178500, MONDO:0800029.

Allele frequency attached by ClinVar (database versions not stated): 1000 Genomes Project 0.00499; 1000 Genomes Project 30x 0.00515; ExAC 0.00687; gnomAD exomes 0.00705 and 0.01028; gnomAD 0.00682 and 0.00704; TOPMed 0.00785.
gnomAD v4.1: 15,940 of 1,612,608 alleles (0.99%); highest among the groups gnomAD compares: Non-Finnish European, 1.2%; 122 homozygotes.

Submissions (2):

Illumina Laboratory Services, Illumina
Classification: Benign for Idiopathic fibrosing alveolitis, chronic form. Last evaluated: 2018-01-12. Review status: criteria provided, single submitter. Criteria: ICSL Variant Classification Criteria 13 December 2019. Collection method: clinical testing. Allele origin: germline.
Comment: This variant was observed in the ICSL laboratory as part of a predisposition screen in an ostensibly healthy population. It had not been previously curated by ICSL or reported in the Human Gene Mutation Database (HGMD: prior to June 1st, 2018), and was therefore a candidate for classification through an automated scoring system. Utilizing variant allele frequency, disease prevalence and penetrance estimates, and inheritance mode, an automated score was calculated to assess if this variant is too frequent to cause the disease. Based on the score and internal cut-off values, a variant classified as benign is not then subjected to further curation. The score for this variant resulted in a classification of benign for this disease.

Illumina Laboratory Services, Illumina
Classification: Benign for Surfactant metabolism dysfunction, pulmonary, 2. Last evaluated: 2018-01-12. Review status: criteria provided, single submitter. Criteria: ICSL Variant Classification Criteria 13 December 2019. Collection method: clinical testing. Allele origin: germline.
Comment: the same text as in the submission from Illumina Laboratory Services, Illumina above.

NM_003018.3(SFTPC):c.-91C>T

Gene: SFTPC (surfactant protein C; plus strand). Cytogenetic location: 8p21.3.
Variant type: single nucleotide variant.
Coding change: c.-91C>T on transcript NM_003018.3; 91 bases upstream of the start codon, C replaced by T.
Molecular consequence: intron variant (on NM_001385655.1).
Genome position (GRCh38, 1-based): chr8:22,161,738, C>T. VCF-style: chr8-22161738-C-T. GRCh37 (hg19) VCF-style: chr8-22019251-C-T.
Other names: c.-53-38C>T (NM_001385655.1, NM_001385654.1, NM_001385656.1 and 4 more transcripts).
Identifiers: ClinVar variation 362546 (VCV000362546.7), dbSNP rs77253713, ClinGen allele CA4663824.